The following is an entry in ClinVar:

ClinVar aggregate classification (germline): Uncertain significance. Review status: criteria provided, multiple submitters, no conflicts (2 of 4 stars). 2 submissions from 2 submitters: Uncertain significance (2). Last evaluated 2022-11-15.

Conditions:
Autosomal dominant limb-girdle muscular dystrophy type 1D (DNAJB6) (LGMDD1). Also called: Autosomal dominant limb-girdle muscular dystrophy type 1D; MUSCULAR DYSTROPHY, LIMB-GIRDLE, TYPE 1D; Muscular dystrophy, limb-girdle, autosomal dominant 1; MUSCULAR DYSTROPHY, AUTOSOMAL DOMINANT, WITH RIMMED VACUOLES. Identifiers: Orphanet 34516, MedGen C4721885, MONDO:0021018, OMIM 603511.

Allele frequency attached by ClinVar (database versions not stated): gnomAD exomes below 0.00001.
gnomAD v4.1: 1 of 1,613,188 alleles (0.000062%); highest among the groups gnomAD compares: Non-Finnish European, 0.000085%; no homozygotes.

Submissions (2):

Labcorp Genetics (formerly Invitae), Labcorp
Classification: Uncertain significance for Autosomal dominant limb-girdle muscular dystrophy type 1D (DNAJB6). Last evaluated: 2022-11-15. Review status: criteria provided, single submitter. Criteria: Invitae Variant Classification Sherloc (09022015). Collection method: clinical testing. Allele origin: germline.
Comment: In summary, the available evidence is currently insufficient to determine the role of this variant in disease. Therefore, it has been classified as a Variant of Uncertain Significance. Advanced modeling of protein sequence and biophysical properties (such as structural, functional, and spatial information, amino acid conservation, physicochemical variation, residue mobility, and thermodynamic stability) has been performed at Invitae for this missense variant, however the output from this modeling did not meet the statistical confidence thresholds required to predict the impact of this variant on DNAJB6 protein function. ClinVar contains an entry for this variant (Variation ID: 638968). This sequence change replaces glycine, which is neutral and non-polar, with valine, which is neutral and non-polar, at codon 171 of the DNAJB6 protein (p.Gly171Val). This variant is not present in population databases (gnomAD no frequency). This variant has not been reported in the literature in individuals affected with DNAJB6-related conditions.

Revvity Omics, Revvity
Classification: Uncertain significance for Autosomal dominant limb-girdle muscular dystrophy type 1D (DNAJB6). Last evaluated: 2019-03-05. Review status: criteria provided, single submitter. Criteria: ACMG Guidelines, 2015. Collection method: clinical testing. Allele origin: germline.

NM_058246.4(DNAJB6):c.512G>T (p.Gly171Val)

Gene: DNAJB6 (DnaJ heat shock protein family (Hsp40) member B6; plus strand). Cytogenetic location: 7q36.3.
Variant type: single nucleotide variant.
Coding change: c.512G>T on transcript NM_058246.4 (MANE Select); coding-DNA position 512, G replaced by T.
Protein change: p.Gly171Val; replaces glycine 171 with valine.
Molecular consequence: missense variant. On other transcripts: intron variant (1).
Genome position (GRCh38, 1-based): chr7:157,384,900, G>T. VCF-style: chr7-157384900-G-T. GRCh37 (hg19) VCF-style: chr7-157177594-G-T.
Other names: c.512G>T, p.Gly171Val (NM_005494.3); c.346+17417G>T (NM_001363676.1); short protein forms G171V.
Identifiers: ClinVar variation 638968 (VCV000638968.11), dbSNP rs1584927273, ClinGen allele CA370166654.